The following is an entry in ClinVar:

NM_001194998.2(CEP152):c.2609T>C (p.Leu870Pro)

Gene: CEP152 (centrosomal protein 152; minus strand). Cytogenetic location: 15q21.1.
Variant type: single nucleotide variant.
Coding change: c.2609T>C on transcript NM_001194998.2 (MANE Select); coding-DNA position 2609, T replaced by C.
Protein change: p.Leu870Pro; replaces leucine 870 with proline.
Molecular consequence: missense variant.
Genome position (GRCh38, 1-based): chr15:48,760,220, A>G on the plus strand (T>C on the coding strand, the complement: CEP152 is on the minus strand). VCF-style: chr15-48760220-A-G. GRCh37 (hg19) VCF-style: chr15-49052417-A-G.
Other names: c.2609T>C, p.Leu870Pro (NM_014985.4); short protein forms L870P.
Identifiers: ClinVar variation 1714817 (VCV001714817.5), dbSNP rs2504642161, ClinGen allele CA392345197.
Genomic context (GRCh38, chr15:48,760,220, plus strand): 5'-TGTTCTTCCCACTTTTTCTGTTCTGCCTTCACAAGTGCTTGATACTCTGCCAGCTCTGGT[A>G]GTTCTCCCAGCCATCGCTGATGAGCATTTTGCACAGCTATTTCTACCTGTAGGACATTGC-3'
Protein context (NP_001181927.1, residues 860-880): QNAHQRWLGE[Leu870Pro]PELAEYQALV

ClinVar aggregate classification (germline): Uncertain significance (1 of 4 stars; one submission).

Allele frequency attached by ClinVar (database versions not stated): gnomAD exomes below 0.00001.
gnomAD v4.1: 2 of 1,614,112 alleles (0.00012%); highest among the groups gnomAD compares: Non-Finnish European, 0.00017%; no homozygotes.

Submission:

Labcorp Genetics (formerly Invitae), Labcorp
Classification: Uncertain significance. Last evaluated: 2022-08-02. Review status: criteria provided, single submitter. Criteria: Invitae Variant Classification Sherloc (09022015). Collection method: clinical testing. Allele origin: germline.
Comment: In summary, the available evidence is currently insufficient to determine the role of this variant in disease. Therefore, it has been classified as a Variant of Uncertain Significance. Algorithms developed to predict the effect of missense changes on protein structure and function (SIFT, PolyPhen-2, Align-GVGD) all suggest that this variant is likely to be disruptive. This variant has not been reported in the literature in individuals affected with CEP152-related conditions. This variant is not present in population databases (gnomAD no frequency). This sequence change replaces leucine, which is neutral and non-polar, with proline, which is neutral and non-polar, at codon 870 of the CEP152 protein (p.Leu870Pro).